The following is an entry in ClinVar:

ClinVar aggregate classification (germline): Uncertain significance (1 of 4 stars; one submission).

Allele frequency attached by ClinVar (database versions not stated): gnomAD 0.00001; TOPMed 0.00002.
gnomAD v4.1: 2 of 1,613,904 alleles (0.00012%); highest among the groups gnomAD compares: African/African-American, 0.0013%; no homozygotes.

Submission:

Labcorp Genetics (formerly Invitae), Labcorp
Classification: Uncertain significance. Last evaluated: 2022-11-22. Review status: criteria provided, single submitter. Criteria: Invitae Variant Classification Sherloc (09022015). Collection method: clinical testing. Allele origin: germline.
Comment: In summary, the available evidence is currently insufficient to determine the role of this variant in disease. Therefore, it has been classified as a Variant of Uncertain Significance. Algorithms developed to predict the effect of missense changes on protein structure and function output the following: SIFT: "Deleterious"; PolyPhen-2: "Not Available"; Align-GVGD: "Class C0". The leucine amino acid residue is found in multiple mammalian species, which suggests that this missense change does not adversely affect protein function. This variant has not been reported in the literature in individuals affected with RGR-related conditions. This variant is not present in population databases (gnomAD no frequency). This sequence change replaces proline, which is neutral and non-polar, with leucine, which is neutral and non-polar, at codon 244 of the RGR protein (p.Pro244Leu).

NM_001012720.2(RGR):c.731C>T (p.Pro244Leu)

Gene: RGR (retinal G protein coupled receptor; plus strand). Cytogenetic location: 10q23.1.
Variant type: single nucleotide variant.
Coding change: c.731C>T on transcript NM_001012720.2 (MANE Select); coding-DNA position 731, C replaced by T.
Protein change: p.Pro244Leu; replaces proline 244 with leucine.
Molecular consequence: missense variant. On other transcripts: intron variant (1).
Genome position (GRCh38, 1-based): chr10:84,257,993, C>T. VCF-style: chr10-84257993-C-T. GRCh37 (hg19) VCF-style: chr10-86017749-C-T.
Other names: c.743C>T, p.Pro248Leu (NM_002921.4); c.631-515C>T (NM_001012722.2); short protein forms P244L, P248L.
Identifiers: ClinVar variation 1955483 (VCV001955483.5), dbSNP rs1262051908, ClinGen allele CA377392243.
Genomic context (GRCh38, chr10:84,257,993, plus strand): 5'-GGGGCCCCTATGCCATCCTGTATCTATACGCAGTCATCGCAGACGTGACTTCCATCTCCC[C>T]CAAACTGCAGATGGTACAGATACTTCTAGTACCTAAAACTAGACCCCTCTCCATCTTTGT-3'
Protein context (NP_001012738.1, residues 234-254): AVIADVTSIS[Pro244Leu]KLQMVPALIA